The following is an entry in ClinVar:

ClinVar aggregate classification (germline): Pathogenic (1 of 4 stars; one submission).

Conditions:
Type 2 collagenopathy. Identifiers: Orphanet 93421, MedGen C2931073, MONDO:0022800.

Submission:

Victorian Clinical Genetics Services, Murdoch Childrens Research Institute
Classification: Pathogenic for Type 2 collagenopathy. Last evaluated: 2022-03-31. Review status: criteria provided, single submitter. Criteria: ACMG Guidelines, 2015. Collection method: clinical testing. Allele origin: germline. Inheritance: Autosomal dominant inheritance. Affected: yes.
Comment: Based on the classification scheme VCGS_Germline_v1.3.4, this variant is classified as Pathogenic. Following criteria are met: 0103 - Dominant negative and loss of function are known mechanisms of disease in this gene, and are associated with the spondyloepiphyseal dysplasia spectrum and Stickler syndrome, respectively. Missense variants affecting glycine residues in COL2A1 are associated with a dominant negative mechanism, while protein truncating variants and some missense variants are associated with a loss of function mechanism (PMIDs: 15895462, 27234559). (I) 0107 - This gene is associated with autosomal dominant disease. (I) 0115 - Variants in this gene are known to have variable expressivity. Intrafamilial and interfamilial variability in phenotype and expressivity has been observed (PMID: 20301479). (I) 0200 - Variant is predicted to result in a missense amino acid change from glycine to alanine. (I) 0251 - This variant is heterozygous. (I) 0301 - Variant is absent from gnomAD (both v2 and v3). (SP) 0501 - Missense variant consistently predicted to be damaging by multiple in silico tools or highly conserved with a major amino acid change. (SP) 0601 - Variant is located in the well-established functional Gly-X-Y motif within the repeat domain, and affects a glycine residue (DECIPHER). (SP) 0705 - No comparable missense variants have previous evidence for pathogenicity. (I) 0807 - This variant has no previous evidence of pathogenicity. (I) 0905 - No published segregation evidence has been identified for this variant. (I) 1007 - No published functional evidence has been identified for this variant. (SP) Legend: (SP) - Supporting pathogenic, (I) - Information, (SB) - Supporting benign

Literature cited by the submitters: PubMed 15895462; PubMed 20301479; PubMed 27234559.

NM_001844.5(COL2A1):c.3617G>C (p.Gly1206Ala)

Gene: COL2A1 (collagen type II alpha 1 chain; minus strand). Cytogenetic location: 12q13.11.
Variant type: single nucleotide variant.
Coding change: c.3617G>C on transcript NM_001844.5 (MANE Select); coding-DNA position 3617, G replaced by C.
Protein change: p.Gly1206Ala; replaces glycine 1206 with alanine.
Molecular consequence: missense variant.
Genome position (GRCh38, 1-based): chr12:47,975,586, C>G on the plus strand (G>C on the coding strand, the complement: COL2A1 is on the minus strand). VCF-style: chr12-47975586-C-G. GRCh37 (hg19) VCF-style: chr12-48369369-C-G.
Other names: c.3410G>C, p.Gly1137Ala (NM_033150.3); short protein forms G1137A, G1206A.
Identifiers: ClinVar variation 1805392 (VCV001805392.1), dbSNP rs2540100894, ClinGen allele CA384537183.